The following is an entry in ClinVar:

NM_000092.5(COL4A4):c.3961G>C (p.Asp1321His)

Gene: COL4A4 (collagen type IV alpha 4 chain; minus strand). Cytogenetic location: 2q36.3.
Variant type: single nucleotide variant.
Coding change: c.3961G>C on transcript NM_000092.5 (MANE Select); coding-DNA position 3961, G replaced by C.
Protein change: p.Asp1321His; replaces aspartic acid 1321 with histidine.
Molecular consequence: missense variant.
Genome position (GRCh38, 1-based): chr2:227,030,455, C>G on the plus strand (G>C on the coding strand, the complement: COL4A4 is on the minus strand). VCF-style: chr2-227030455-C-G. GRCh37 (hg19) VCF-style: chr2-227895171-C-G.
Other names: short protein forms D1321H.
Identifiers: ClinVar variation 1305725 (VCV001305725.3), dbSNP rs1326584789, ClinGen allele CA350837186.

ClinVar aggregate classification (germline): Uncertain significance. Review status: criteria provided, multiple submitters, no conflicts (2 of 4 stars). 2 submissions from 2 submitters: Uncertain significance (2). Last evaluated 2025-04-01.

Conditions:
Inborn genetic diseases. Identifiers: MedGen C0950123, MeSH D030342.

Allele frequency attached by ClinVar (database versions not stated): gnomAD exomes below 0.00001; TOPMed below 0.00001.
gnomAD v4.1: 7 of 1,614,208 alleles (0.00043%); highest among the groups gnomAD compares: Non-Finnish European, 0.00059%; no homozygotes.

Submissions (2):

Ambry Genetics
Classification: Uncertain significance for Inborn genetic diseases. Last evaluated: 2025-04-01. Review status: criteria provided, single submitter. Criteria: Ambry Variant Classification Scheme 2023. Collection method: clinical testing. Allele origin: germline.

GeneDx
Classification: Uncertain significance. Last evaluated: 2019-05-10. Review status: criteria provided, single submitter. Criteria: GeneDx Variant Classification Process June 2021. Collection method: clinical testing. Allele origin: germline. Affected: yes.
Comment: In silico analysis, which includes protein predictors and evolutionary conservation, supports that this variant does not alter protein structure/function; Has not been previously published as pathogenic or benign to our knowledge